The following is an entry in ClinVar:

ClinVar aggregate classification (germline): Benign/Likely benign. Review status: criteria provided, multiple submitters, no conflicts (2 of 4 stars). 10 submissions from 10 submitters: Benign (3); Likely benign (5). 2 of the submissions do not count toward it. Last evaluated 2026-02-02.

Conditions:
Autoinflammatory syndrome. Identifiers: Orphanet 93665, MedGen C3890737, MONDO:0019751.
Pyogenic arthritis-pyoderma gangrenosum-acne syndrome (PAPA). Also called: PAPA SYNDROME; FAMILIAL RECURRENT ARTHRITIS. Identifiers: Orphanet 69126, MedGen C1858361, MONDO:0011462, OMIM 604416.

Allele frequency attached by ClinVar (database versions not stated): gnomAD exomes 0.00037 and 0.00071; ExAC 0.00076; 1000 Genomes Project 30x 0.00203; gnomAD 0.00215 and 0.00224; 1000 Genomes Project 0.00220; TOPMed 0.00243; ESP Exome Variant Server 0.00293.
gnomAD v4.1: 896 of 1,612,640 alleles (0.056%); highest among the groups gnomAD compares: African/African-American, 0.76%; 3 homozygotes.

Submissions (10):

Labcorp Genetics (formerly Invitae), Labcorp
Classification: Benign for Pyogenic arthritis-pyoderma gangrenosum-acne syndrome. Last evaluated: 2026-02-02. Review status: criteria provided, single submitter. Criteria: Invitae Variant Classification Sherloc (09022015). Collection method: clinical testing. Allele origin: germline.

CeGaT Center for Human Genetics Tuebingen
Classification: Likely benign. Last evaluated: 2026-02-01. Review status: criteria provided, single submitter. Criteria: CeGaT Center For Human Genetics Tuebingen Variant Classification Criteria Version 2. Collection method: clinical testing. Allele origin: germline. Affected: yes. Observed: 1 variant allele.
Comment: PSTPIP1: BP4, BP7

Blueprint Genetics
Classification: Likely benign. Last evaluated: 2024-11-25. Review status: criteria provided, single submitter. Criteria: ACMG Guidelines, 2015. Collection method: clinical testing. Allele origin: germline.

ARUP Laboratories, Molecular Genetics and Genomics, ARUP Laboratories
Classification: Likely benign for Pyogenic arthritis-pyoderma gangrenosum-acne syndrome. Last evaluated: 2024-10-11. Review status: criteria provided, single submitter. Criteria: ARUP Molecular Germline Variant Investigation Process 2024. Collection method: clinical testing. Allele origin: germline.

Genome Diagnostics Laboratory, The Hospital for Sick Children
Classification: Likely benign for Autoinflammatory syndrome. Last evaluated: 2020-12-11. Review status: criteria provided, single submitter. Criteria: ACMG Guidelines, 2015. Collection method: clinical testing. Allele origin: germline. Affected: yes.

Illumina Laboratory Services, Illumina
Classification: Benign for Pyogenic arthritis-pyoderma gangrenosum-acne syndrome. Last evaluated: 2018-01-13. Review status: criteria provided, single submitter. Criteria: ICSL Variant Classification Criteria 13 December 2019. Collection method: clinical testing. Allele origin: germline.
Comment: This variant was observed in the ICSL laboratory as part of a predisposition screen in an ostensibly healthy population. It had not been previously curated by ICSL or reported in the Human Gene Mutation Database (HGMD: prior to June 1st, 2018), and was therefore a candidate for classification through an automated scoring system. Utilizing variant allele frequency, disease prevalence and penetrance estimates, and inheritance mode, an automated score was calculated to assess if this variant is too frequent to cause the disease. Based on the score and internal cut-off values, a variant classified as benign is not then subjected to further curation. The score for this variant resulted in a classification of benign for this disease.

GeneDx
Classification: Benign. Last evaluated: 2012-05-07. Review status: criteria provided, single submitter. Criteria: GeneDx Variant Classification (06012015). Collection method: clinical testing. Allele origin: germline. Affected: yes.
Comment: This variant is considered likely benign or benign based on one or more of the following criteria: it is a conservative change, it occurs at a poorly conserved position in the protein, it is predicted to be benign by multiple in silico algorithms, and/or has population frequency not consistent with disease.

PreventionGenetics, part of Exact Sciences
Classification: Likely benign. Review status: criteria provided, single submitter. Criteria: ACMG Guidelines, 2015. Collection method: clinical testing. Allele origin: germline.

Clinical Genetics DNA and cytogenetics Diagnostics Lab, Erasmus MC, Erasmus Medical Center
Classification: Likely benign. Review status: no assertion criteria provided. Collection method: clinical testing. Allele origin: germline. Affected: yes. Study: VKGL Data-share Consensus. Not counted in ClinVar's aggregate classification.

Genome Diagnostics Laboratory, University Medical Center Utrecht
Classification: Likely benign. Review status: no assertion criteria provided. Collection method: clinical testing. Allele origin: germline. Affected: yes. Study: VKGL Data-share Consensus. Not counted in ClinVar's aggregate classification.

NM_003978.5(PSTPIP1):c.786C>T (p.Asp262=)

Gene: PSTPIP1 (proline-serine-threonine phosphatase interacting protein 1; plus strand). Cytogenetic location: 15q24.3.
Variant type: single nucleotide variant.
Coding change: c.786C>T on transcript NM_003978.5 (MANE Select); coding-DNA position 786, C replaced by T.
Protein change: p.Asp262=; no amino-acid change (aspartic acid 262 retained).
Molecular consequence: synonymous variant.
Genome position (GRCh38, 1-based): chr15:77,032,342, C>T. VCF-style: chr15-77032342-C-T. GRCh37 (hg19) VCF-style: chr15-77324683-C-T.
Other names: p.D262D:GAC>GAT; c.786C>T (LRG_172t1); c.786C>T, p.Asp262= (NM_001321135.2); c.759C>T, p.Asp253= (NM_001321136.2); c.981C>T, p.Asp327= (NM_001321137.1).
Identifiers: ClinVar variation 138826 (VCV000138826.32), dbSNP rs35860563, ClinGen allele CA292938.
Genomic context (GRCh38, chr15:77,032,342, plus strand): 5'-CTCTTTCCTGCCCCAGCTCTACGAGGAAGTGCGGCTGACGCTGGAAGGCTGCAGCATAGA[C>T]GCCGACATCGACAGTTTCATCCAGGCCAAGAGCACGGGCACAGAGCCCCCCGGTGAGGTC-3'
Protein context (NP_003969.2, residues 252-272): VRLTLEGCSI[Asp262=]ADIDSFIQAK